The following is an entry in ClinVar:

ClinVar aggregate classification (germline): Uncertain significance (1 of 4 stars; one submission).

Allele frequency attached by ClinVar (database versions not stated): TOPMed below 0.00001; ExAC 0.00002.
gnomAD v4.1: 5 of 1,613,614 alleles (0.00031%); highest among the groups gnomAD compares: Admixed American, 0.005%; no homozygotes.

Submission:

Labcorp Genetics (formerly Invitae), Labcorp
Classification: Uncertain significance. Last evaluated: 2023-05-16. Review status: criteria provided, single submitter. Criteria: Invitae Variant Classification Sherloc (09022015). Collection method: clinical testing. Allele origin: germline.
Comment: In summary, the available evidence is currently insufficient to determine the role of this variant in disease. Therefore, it has been classified as a Variant of Uncertain Significance. An algorithm developed to predict the effect of missense changes on protein structure and function (PolyPhen-2) suggests that this variant is likely to be disruptive. This variant has not been reported in the literature in individuals affected with CLCN6-related conditions. This variant is present in population databases (rs771010245, gnomAD 0.009%). This sequence change replaces valine, which is neutral and non-polar, with leucine, which is neutral and non-polar, at codon 490 of the CLCN6 protein (p.Val490Leu).

NM_001286.5(CLCN6):c.1468G>C (p.Val490Leu)

Gene: CLCN6 (chloride voltage-gated channel 6; plus strand). Cytogenetic location: 1p36.22.
Variant type: single nucleotide variant.
Coding change: c.1468G>C on transcript NM_001286.5 (MANE Select); coding-DNA position 1468, G replaced by C.
Protein change: p.Val490Leu; replaces valine 490 with leucine.
Molecular consequence: missense variant. On other transcripts: non-coding transcript variant (1).
Genome position (GRCh38, 1-based): chr1:11,833,972, G>C. VCF-style: chr1-11833972-G-C. GRCh37 (hg19) VCF-style: chr1-11894029-G-C.
Other names: c.1402G>C, p.Val468Leu (NM_001256959.2); short protein forms V468L, V490L.
Identifiers: ClinVar variation 2879746 (VCV002879746.3), dbSNP rs771010245, ClinGen allele CA596483.